The following is an entry in ClinVar:

NM_002734.5(PRKAR1A):c.83A>C (p.Gln28Pro)

Gene: PRKAR1A (protein kinase cAMP-dependent type I regulatory subunit alpha; plus strand). Cytogenetic location: 17q24.2.
Variant type: single nucleotide variant.
Coding change: c.83A>C on transcript NM_002734.5 (MANE Select); coding-DNA position 83, A replaced by C.
Protein change: p.Gln28Pro; replaces glutamine 28 with proline.
Molecular consequence: missense variant.
Genome position (GRCh38, 1-based): chr17:68,515,482, A>C. VCF-style: chr17-68515482-A-C. GRCh37 (hg19) VCF-style: chr17-66511623-A-C.
Other names: c.83A>C, p.Gln28Pro (NM_001276289.2, NM_001276290.1, NM_001278433.2 and 4 more transcripts); short protein forms Q28P.
Identifiers: ClinVar variation 822384 (VCV000822384.10), dbSNP rs1600462191, ClinGen allele CA400751932.
Genomic context (GRCh38, chr17:68,515,482, plus strand): 5'-CCAGTGAGGAGGCACGCAGCCTTCGAGAATGTGAGCTCTACGTCCAGAAGCATAACATTC[A>C]AGCGCTGCTCAAAGATTCTATTGTGCAGTTGTGCACTGCTCGACCTGAGAGACCCATGGC-3'
Protein context (NP_002725.1, residues 18-38): CELYVQKHNI[Gln28Pro]ALLKDSIVQL

ClinVar aggregate classification (germline): Uncertain significance. Review status: criteria provided, multiple submitters, no conflicts (2 of 4 stars). 2 submissions from 2 submitters: Uncertain significance (2). Last evaluated 2022-09-21.

Conditions:
Hereditary cancer-predisposing syndrome. Also called: Tumor predisposition; Hereditary Cancer Syndrome; Neoplastic Syndromes, Hereditary; Hereditary neoplastic syndrome. Identifiers: Orphanet 140162, MedGen C0027672, MeSH D009386, MONDO:0015356.
Carney complex, type 1 (CNC1). Also called: CARNEY MYXOMA-ENDOCRINE COMPLEX; CARNEY COMPLEX, TYPE I. Identifiers: Orphanet 1359, MedGen C2607929, MONDO:0008057, OMIM 160980.

Submissions (2):

Labcorp Genetics (formerly Invitae), Labcorp
Classification: Uncertain significance for Carney complex, type 1. Last evaluated: 2022-09-21. Review status: criteria provided, single submitter. Criteria: Invitae Variant Classification Sherloc (09022015). Collection method: clinical testing. Allele origin: germline.
Comment: This variant is not present in population databases (gnomAD no frequency). This variant has not been reported in the literature in individuals affected with PRKAR1A-related conditions. ClinVar contains an entry for this variant (Variation ID: 822384). Algorithms developed to predict the effect of missense changes on protein structure and function are either unavailable or do not agree on the potential impact of this missense change (SIFT: "Deleterious"; PolyPhen-2: "Probably Damaging"; Align-GVGD: "Class C0"). In summary, the available evidence is currently insufficient to determine the role of this variant in disease. Therefore, it has been classified as a Variant of Uncertain Significance. This sequence change replaces glutamine, which is neutral and polar, with proline, which is neutral and non-polar, at codon 28 of the PRKAR1A protein (p.Gln28Pro).

Ambry Genetics
Classification: Uncertain significance for Hereditary cancer-predisposing syndrome. Last evaluated: 2022-08-30. Review status: criteria provided, single submitter. Criteria: Ambry Variant Classification Scheme 2023. Collection method: clinical testing. Allele origin: germline.
Comment: The p.Q28P variant (also known as c.83A>C), located in coding exon 1 of the PRKAR1A gene, results from an A to C substitution at nucleotide position 83. The glutamine at codon 28 is replaced by proline, an amino acid with similar properties. This amino acid position is highly conserved in available vertebrate species. In addition, this alteration is predicted to be deleterious by in silico analysis. Since supporting evidence is limited at this time, the clinical significance of this alteration remains unclear.